The following is an entry in ClinVar:

ClinVar aggregate classification (germline): Uncertain significance. Review status: criteria provided, single submitter (1 of 4 stars). 2 submissions from 2 submitters: Uncertain significance (1). 1 of the submissions does not count toward it. Last evaluated 2024-05-29.

Conditions:
Optic atrophy. Identifiers: MedGen C0029124, MONDO:0003608, HP:0000648.
Isolated microphthalmia 5. Also called: Posterior Microphthalmia with Retinitis Pigmentosa, Foveoschisis, and Optic Disc Drusen. Identifiers: Orphanet 251279, MedGen C1970236, MONDO:0012605, OMIM 611040.

Allele frequency attached by ClinVar (database versions not stated): ExAC 0.00003.
gnomAD v4.1: 27 of 1,598,788 alleles (0.0017%); highest among the groups gnomAD compares: African/African-American, 0.011%; no homozygotes.

Submissions (2):

Labcorp Genetics (formerly Invitae), Labcorp
Classification: Uncertain significance for Isolated microphthalmia 5. Last evaluated: 2024-05-29. Review status: criteria provided, single submitter. Criteria: Invitae Variant Classification Sherloc (09022015). Collection method: clinical testing. Allele origin: germline.
Comment: This sequence change replaces arginine, which is basic and polar, with glutamine, which is neutral and polar, at codon 60 of the MFRP protein (p.Arg60Gln). This variant is present in population databases (rs745791741, gnomAD 0.02%). This variant has not been reported in the literature in individuals affected with MFRP-related conditions. ClinVar contains an entry for this variant (Variation ID: 1477537). Advanced modeling of protein sequence and biophysical properties (such as structural, functional, and spatial information, amino acid conservation, physicochemical variation, residue mobility, and thermodynamic stability) performed at Invitae indicates that this missense variant is not expected to disrupt MFRP protein function with a negative predictive value of 80%. In summary, the available evidence is currently insufficient to determine the role of this variant in disease. Therefore, it has been classified as a Variant of Uncertain Significance.

Institute of Human Genetics, Univ. Regensburg, Univ. Regensburg
Classification: Uncertain significance for Optic atrophy. Last evaluated: 2022-01-01. Review status: no assertion criteria provided. Criteria: ACMG Guidelines, 2015. Collection method: clinical testing. Allele origin: germline. Affected: yes. Not counted in ClinVar's aggregate classification.

NM_031433.4(MFRP):c.179G>A (p.Arg60Gln)

Genes: C1QTNF5 (C1q and TNF related 5; minus strand), MFRP (membrane frizzled-related protein; minus strand). Cytogenetic location: 11q23.3.
Variant type: single nucleotide variant.
Coding change: c.179G>A on transcript NM_031433.4 (MANE Select); coding-DNA position 179, G replaced by A.
Protein change: p.Arg60Gln; replaces arginine 60 with glutamine.
Molecular consequence: missense variant. On other transcripts: 5 prime UTR variant (1).
Genome position (GRCh38, 1-based): chr11:119,346,138, C>T on the plus strand (G>A on the coding strand, the complement: MFRP is on the minus strand). VCF-style: chr11-119346138-C-T. GRCh37 (hg19) VCF-style: chr11-119216848-C-T.
Other names: c.-2458G>A (NM_015645.5); short protein forms R60Q.
Identifiers: ClinVar variation 1477537 (VCV001477537.7), dbSNP rs745791741, ClinGen allele CA6320670.